The following is an entry in ClinVar:

NM_001080517.3(SETD5):c.1744_1745del (p.Ser582fs)

Gene: SETD5 (SET domain containing 5; plus strand). Cytogenetic location: 3p25.3.
Variant type: Microsatellite.
Coding change: c.1744_1745del on transcript NM_001080517.3 (MANE Select); coding-DNA positions 1744 to 1745, 2 bases deleted (AG; older notation c.1744_1745delAG).
Protein change: p.Ser582fs; shifts the reading frame from serine 582.
Molecular consequence: frameshift variant.
Genome position (GRCh38, 1-based): chr3:9,447,269-9,447,270, AG deleted; deleting any 2 consecutive bases within chr3:9,447,267-9,447,270 gives the same sequence; the c. name uses the placement nearest the transcript's 3' end. VCF-style (leftmost placement, unchanged base first): chr3-9447266-CAG-C. GRCh37 (hg19) VCF-style: chr3-9488950-CAG-C.
Other names: c.1450_1451del, p.Ser484fs (NM_001292043.2, NM_001349451.2); short protein forms S484fs, S582fs.
Identifiers: ClinVar variation 975773 (VCV000975773.4), dbSNP rs2042128326, ClinGen allele CA1344733067.

ClinVar aggregate classification (germline): Pathogenic. Review status: criteria provided, single submitter (1 of 4 stars). 2 submissions from 2 submitters: Pathogenic (1). 1 of the submissions does not count toward it. Last evaluated 2024-02-23.

Conditions:
Intellectual disability-facial dysmorphism syndrome due to SETD5 haploinsufficiency (MRD23). Also called: Intellectual developmental disorder, autosomal dominant 23. Identifiers: Orphanet 404440, MedGen C3810406, MONDO:0014336, OMIM 615761.

Submissions (2):

Labcorp Genetics (formerly Invitae), Labcorp
Classification: Pathogenic. Last evaluated: 2024-02-23. Review status: criteria provided, single submitter. Criteria: Invitae Variant Classification Sherloc (09022015). Collection method: clinical testing. Allele origin: germline.
Comment: This sequence change creates a premature translational stop signal (p.Ser582Cysfs*30) in the SETD5 gene. It is expected to result in an absent or disrupted protein product. Loss-of-function variants in SETD5 are known to be pathogenic (PMID: 24680889). This variant is not present in population databases (gnomAD no frequency). This variant has not been reported in the literature in individuals affected with SETD5-related conditions. ClinVar contains an entry for this variant (Variation ID: 975773). For these reasons, this variant has been classified as Pathogenic.

Centre de Biologie Pathologie Génétique, Centre Hospitalier Universitaire de Lille
Classification: Pathogenic for Mental retardation, autosomal dominant 23. Last evaluated: 2019-01-01. Review status: no assertion criteria provided. Collection method: clinical testing. Allele origin: inherited. Affected: yes. Not counted in ClinVar's aggregate classification.

Literature cited by the submitters: PubMed 24680889 (cited by Labcorp Genetics (formerly Invitae), Labcorp).